The following is an entry in ClinVar:

NM_001350451.2(RBFOX3):c.21C>A (p.Pro7=)

Gene: RBFOX3 (RNA binding fox-1 homolog 3; minus strand). Cytogenetic location: 17q25.3.
Variant type: single nucleotide variant.
Coding change: c.21C>A on transcript NM_001350451.2 (MANE Select); coding-DNA position 21, C replaced by A.
Protein change: p.Pro7=; no amino-acid change (proline 7 retained).
Molecular consequence: synonymous variant.
Genome position (GRCh38, 1-based): chr17:79,115,695, G>T on the plus strand (C>A on the coding strand, the complement: RBFOX3 is on the minus strand). VCF-style: chr17-79115695-G-T. GRCh37 (hg19) VCF-style: chr17-77111777-G-T.
Other names: c.21C>A, p.Pro7= (NM_001082575.3, NM_001350453.2, NM_001385804.1 and 43 more transcripts).
Identifiers: ClinVar variation 655405 (VCV000655405.34), dbSNP rs751793355, ClinGen allele CA8810362.

ClinVar aggregate classification (germline): Likely benign. Review status: criteria provided, multiple submitters, no conflicts (2 of 4 stars). 2 submissions from 2 submitters: Likely benign (2). Last evaluated 2022-08-16.

Conditions:
Idiopathic generalized epilepsy. Also called: Generalised epilepsy; EIG. Identifiers: MedGen C0270850, MONDO:0005579, OMIM 600669.

Allele frequency attached by ClinVar (database versions not stated): TOPMed 0.00006.
gnomAD v4.1: 11 of 805,862 alleles (0.0014%); highest among the groups gnomAD compares: African/African-American, 0.011%; no homozygotes.

Submissions (2):

Labcorp Genetics (formerly Invitae), Labcorp
Classification: Likely benign for Idiopathic generalized epilepsy. Last evaluated: 2022-08-16. Review status: criteria provided, single submitter. Criteria: Invitae Variant Classification Sherloc (09022015). Collection method: clinical testing. Allele origin: germline.

CeGaT Center for Human Genetics Tuebingen
Classification: Likely benign. Last evaluated: 2022-06-01. Review status: criteria provided, single submitter. Criteria: CeGaT Center For Human Genetics Tuebingen Variant Classification Criteria Version 2. Collection method: clinical testing. Allele origin: germline. Affected: yes. Observed: 1 variant allele.
Comment: RBFOX3: BP4, BP7